The following is an entry in ClinVar:

ClinVar aggregate classification (germline): Uncertain significance. Review status: criteria provided, multiple submitters, no conflicts (2 of 4 stars). 2 submissions from 2 submitters: Uncertain significance (2). Last evaluated 2026-03-16.

Conditions:
Hereditary cancer-predisposing syndrome. Also called: Hereditary Cancer Syndrome; Tumor predisposition; Hereditary neoplastic syndrome; Neoplastic Syndromes, Hereditary. Identifiers: Orphanet 140162, MedGen C0027672, MeSH D009386, MONDO:0015356.
Familial cancer of breast. Also called: Hereditary breast cancer; BREAST CANCER, FAMILIAL; hereditary breast carcinoma. Identifiers: Orphanet 227535, MedGen C0346153, MONDO:0016419, OMIM 114480. Disease mechanism: loss of function.

Allele frequency attached by ClinVar (database versions not stated): gnomAD below 0.00001 and 0.00001; TOPMed below 0.00001.
gnomAD v4.1: 1 of 1,548,186 alleles (0.000065%); highest among the groups gnomAD compares: South Asian, 0.0011%; no homozygotes.

Submissions (2):

Ambry Genetics
Classification: Uncertain significance for Hereditary cancer-predisposing syndrome. Last evaluated: 2026-03-16. Review status: criteria provided, single submitter. Criteria: Ambry Variant Classification Scheme 2023. Collection method: clinical testing. Allele origin: germline.
Comment: The p.L421F variant (also known as c.1261C>T), located in coding exon 11 of the CHEK2 gene, results from a C to T substitution at nucleotide position 1261. The leucine at codon 421 is replaced by phenylalanine, an amino acid with highly similar properties. This amino acid position is highly conserved in available vertebrate species. In addition, this alteration is predicted to be deleterious by in silico analysis. Since supporting evidence is limited at this time, the clinical significance of this alteration remains unclear.

Labcorp Genetics (formerly Invitae), Labcorp
Classification: Uncertain significance for Familial cancer of breast. Last evaluated: 2024-11-18. Review status: criteria provided, single submitter. Criteria: Invitae Variant Classification Sherloc (09022015). Collection method: clinical testing. Allele origin: germline.
Comment: This sequence change replaces leucine, which is neutral and non-polar, with phenylalanine, which is neutral and non-polar, at codon 421 of the CHEK2 protein (p.Leu421Phe). This variant is not present in population databases (gnomAD no frequency). This variant has not been reported in the literature in individuals affected with CHEK2-related conditions. ClinVar contains an entry for this variant (Variation ID: 410027). An algorithm developed to predict the effect of missense changes on protein structure and function (PolyPhen-2) suggests that this variant is likely to be disruptive. In summary, the available evidence is currently insufficient to determine the role of this variant in disease. Therefore, it has been classified as a Variant of Uncertain Significance.

NM_007194.4(CHEK2):c.1261C>T (p.Leu421Phe)

Gene: CHEK2 (checkpoint kinase 2; minus strand). Cytogenetic location: 22q12.1.
Variant type: single nucleotide variant.
Coding change: c.1261C>T on transcript NM_007194.4 (MANE Select); coding-DNA position 1261, C replaced by T.
Protein change: p.Leu421Phe; replaces leucine 421 with phenylalanine.
Molecular consequence: missense variant.
Genome position (GRCh38, 1-based): chr22:28,695,241, G>A on the plus strand (C>T on the coding strand, the complement: CHEK2 is on the minus strand). VCF-style: chr22-28695241-G-A. GRCh37 (hg19) VCF-style: chr22-29091229-G-A.
Other names: c.1390C>T, p.Leu464Phe (NM_001005735.3); c.598C>T, p.Leu200Phe (NM_001257387.3); c.1060C>T, p.Leu354Phe (NM_001349956.3); c.1174C>T, p.Leu392Phe (NM_145862.3); short protein forms L421F, L200F, L392F, L354F, L464F.
Identifiers: ClinVar variation 410027 (VCV000410027.18), dbSNP rs1060502699, ClinGen allele CA16616577.